The following is an entry in ClinVar:

ClinVar aggregate classification (germline): Pathogenic (1 of 4 stars; one submission).

Conditions:
RYR1-related disorder. Also called: RYR1-related condition; RYR1-related disorders. Identifiers: MedGen CN239331.

Submission:

Labcorp Genetics (formerly Invitae), Labcorp
Classification: Pathogenic for RYR1-related disorder. Last evaluated: 2023-07-25. Review status: criteria provided, single submitter. Criteria: Invitae Variant Classification Sherloc (09022015). Collection method: clinical testing. Allele origin: germline.
Comment: This sequence change creates a premature translational stop signal (p.Met2582Alafs*19) in the RYR1 gene. It is expected to result in an absent or disrupted protein product. Loss-of-function variants in RYR1 are known to be pathogenic (PMID: 23919265, 25960145, 28818389, 30611313). This variant is not present in population databases (gnomAD no frequency). This variant has not been reported in the literature in individuals affected with RYR1-related conditions. For these reasons, this variant has been classified as Pathogenic.

Literature cited by the submitters: PubMed 23919265; PubMed 25960145; PubMed 28818389; PubMed 30611313.

NM_000540.3(RYR1):c.7744_7745del (p.Met2582fs)

Gene: RYR1 (ryanodine receptor 1; plus strand). Cytogenetic location: 19q13.2.
Variant type: Deletion.
Coding change: c.7744_7745del on transcript NM_000540.3 (MANE Select); coding-DNA positions 7744 to 7745, 2 bases deleted (AT; older notation c.7744_7745delAT).
Protein change: p.Met2582fs; shifts the reading frame from methionine 2582.
Molecular consequence: frameshift variant.
Genome position (GRCh38, 1-based): chr19:38,502,636-38,502,637, AT deleted; deleting any 2 consecutive bases within chr19:38,502,635-38,502,637 gives the same sequence; the c. name uses the placement nearest the transcript's 3' end. VCF-style (leftmost placement, unchanged base first): chr19-38502634-CTA-C. GRCh37 (hg19) VCF-style: chr19-38993274-CTA-C.
Other names: c.7744_7745del, p.Met2582fs (NM_001042723.2); short protein forms M2582fs.
Identifiers: ClinVar variation 2797457 (VCV002797457.3), dbSNP rs2145614282, ClinGen allele CA2573054755.